The following is an entry in ClinVar:

NC_012920.1(MT-CO1):m.5913G>A

Gene: MT-CO1 (mitochondrially encoded cytochrome c oxidase I; plus strand).
Variant type: single nucleotide variant.
Genome position: chrM-5913-G-A.
Identifiers: ClinVar variation 692601 (VCV000692601.2), dbSNP rs201617272, ClinGen allele CA337097283.
Genomic context (GRCh38, chrMT:5,913, plus strand): 5'-TTAGATTTACAGTCCAATGCTTCACTCAGCCATTTTACCTCACCCCCACTGATGTTCGCC[G>A]ACCGTTGACTATTCTCTACAAACCACAAAGACATTGGAACACTATACCTATTATTCGGCG-3'

ClinVar aggregate classification (germline): Benign. Review status: criteria provided, multiple submitters, no conflicts (2 of 4 stars). 2 submissions from 2 submitters: Benign (2). Last evaluated 2020-07-27.

Conditions:
Leigh syndrome (NULS). Also called: Leigh's necrotizing encephalopathy; Leigh's disease; Leigh Syndrome (mtDNA deletion); Leigh Disease; Subacute necrotizing encephalopathy; Necrotizing encephalopathy infantile subacute of Leigh. Identifiers: Orphanet 506, MedGen C2931891, MONDO:0009723, OMIM 256000.

Submissions (2):

Athena Diagnostics
Classification: Benign. Last evaluated: 2020-07-27. Review status: criteria provided, single submitter. Criteria: Athena Diagnostics Criteria. Collection method: clinical testing. Allele origin: unknown.

Wong Mito Lab, Molecular and Human Genetics, Baylor College of Medicine
Classification: Benign for Leigh syndrome. Last evaluated: 2019-10-17. Review status: criteria provided, single submitter. Criteria: Modified ACMG Guidelines (Unpublished). Collection method: clinical testing. Allele origin: germline.
Comment: The NC_012920.1:m.5913G>A (YP_003024028.1:p.Asp4Asn) variant in MTCO1 gene is interpretated to be a Benign variant based on the modified ACMG guidelines (unpublished). This variant meets the following evidence codes: BA1

Literature cited by the submitters: PubMed 22949535 (cited by Athena Diagnostics); PubMed 11349229 (cited by Athena Diagnostics); PubMed 21419139 (cited by Athena Diagnostics); PubMed 22130971 (cited by Athena Diagnostics); PubMed 24713204 (cited by Athena Diagnostics); PubMed 26011537 (cited by Athena Diagnostics); PubMed 24498190 (cited by Athena Diagnostics); PubMed 26428318 (cited by Athena Diagnostics); PubMed 30950284 (cited by Athena Diagnostics).